The following is an entry in ClinVar:

ClinVar aggregate classification (germline): Likely benign. Review status: criteria provided, multiple submitters, no conflicts (2 of 4 stars). 2 submissions from 2 submitters: Likely benign (2). Last evaluated 2026-01-22.

Conditions:
DOCK7-related disorder. Also called: DOCK7-related condition.
Developmental and epileptic encephalopathy, 23 (DEE23). Also called: Epileptic encephalopathy, early infantile, 23. Identifiers: Orphanet 411986, MedGen C4014492, MONDO:0014371, OMIM 615859.

Submissions (2):

PreventionGenetics, part of Exact Sciences
Classification: Likely benign for DOCK7-related condition. Last evaluated: 2026-01-22. Review status: criteria provided, single submitter. Criteria: ACMG Guidelines, 2015. Collection method: clinical testing. Allele origin: germline.
Comment: This variant is classified as likely benign based on ACMG/AMP sequence variant interpretation guidelines (Richards et al. 2015 PMID: 25741868, with internal and published modifications).

Labcorp Genetics (formerly Invitae), Labcorp
Classification: Likely benign for Developmental and epileptic encephalopathy, 23. Last evaluated: 2022-01-14. Review status: criteria provided, single submitter. Criteria: Invitae Variant Classification Sherloc (09022015). Collection method: clinical testing. Allele origin: germline.

NM_001367561.1(DOCK7):c.4924-9C>T

Gene: DOCK7 (dedicator of cytokinesis 7; minus strand). Cytogenetic location: 1p31.3.
Variant type: single nucleotide variant.
Coding change: c.4924-9C>T on transcript NM_001367561.1 (MANE Select); 9 bases into the intron before coding-DNA position 4924, C replaced by T.
Molecular consequence: intron variant.
Genome position (GRCh38, 1-based): chr1:62,495,690, G>A on the plus strand (C>T on the coding strand, the complement: DOCK7 is on the minus strand). VCF-style: chr1-62495690-G-A. GRCh37 (hg19) VCF-style: chr1-62961361-G-A.
Other names: c.4804-9C>T (NM_001272001.2, NM_001272000.2); c.4831-9C>T (NM_033407.4); c.4897-9C>T (NM_001271999.2, NM_001330614.2, NM_001271999.1).
Identifiers: ClinVar variation 1663385 (VCV001663385.9), dbSNP rs2149301836, ClinGen allele CA2573132582.